The following is an entry in ClinVar:

ClinVar aggregate classification (germline): Uncertain significance (1 of 4 stars; one submission).

Conditions:
Bailey-Bloch congenital myopathy (CMYO13). Also called: Native American myopathy; STAC3 disorder; Congenital myopathy 13. Identifiers: Orphanet 168572, MedGen C1850625, MONDO:0009722, OMIM 255995.

Allele frequency attached by ClinVar (database versions not stated): ExAC 0.00001; gnomAD 0.00001; gnomAD exomes 0.00001.
gnomAD v4.1: 12 of 1,586,112 alleles (0.00076%); highest among the groups gnomAD compares: East Asian, 0.009%; no homozygotes.

Submission:

Labcorp Genetics (formerly Invitae), Labcorp
Classification: Uncertain significance for Bailey-Bloch congenital myopathy. Last evaluated: 2022-06-07. Review status: criteria provided, single submitter. Criteria: Invitae Variant Classification Sherloc (09022015). Collection method: clinical testing. Allele origin: germline.
Comment: This sequence change replaces leucine, which is neutral and non-polar, with phenylalanine, which is neutral and non-polar, at codon 112 of the STAC3 protein (p.Leu112Phe). This variant is present in population databases (rs747064895, gnomAD 0.02%). This variant has not been reported in the literature in individuals affected with STAC3-related conditions. Algorithms developed to predict the effect of missense changes on protein structure and function are either unavailable or do not agree on the potential impact of this missense change (SIFT: "Tolerated"; PolyPhen-2: "Probably Damaging"; Align-GVGD: "Class C0"). In summary, the available evidence is currently insufficient to determine the role of this variant in disease. Therefore, it has been classified as a Variant of Uncertain Significance.

NM_145064.3(STAC3):c.334C>T (p.Leu112Phe)

Gene: STAC3 (SH3 and cysteine rich domain 3; minus strand). Cytogenetic location: 12q13.3.
Variant type: single nucleotide variant.
Coding change: c.334C>T on transcript NM_145064.3 (MANE Select); coding-DNA position 334, C replaced by T.
Protein change: p.Leu112Phe; replaces leucine 112 with phenylalanine.
Molecular consequence: missense variant. On other transcripts: intron variant (1).
Genome position (GRCh38, 1-based): chr12:57,249,041, G>A on the plus strand (C>T on the coding strand, the complement: STAC3 is on the minus strand). VCF-style: chr12-57249041-G-A. GRCh37 (hg19) VCF-style: chr12-57642824-G-A.
Other names: c.217C>T, p.Leu73Phe (NM_001286256.2); c.-126-843C>T (NM_001286257.2); short protein forms L112F, L73F.
Identifiers: ClinVar variation 2421949 (VCV002421949.9), dbSNP rs747064895, ClinGen allele CA6647198.